The following is an entry in ClinVar:

ClinVar aggregate classification (germline): Conflicting classifications of pathogenicity. Review status: criteria provided, conflicting classifications (1 of 4 stars). 2 submissions from 2 submitters: Uncertain significance (1); Likely benign (1). Last evaluated 2025-05-05.

Conditions:
Cardiovascular phenotype. Identifiers: MedGen CN230736.
Long QT syndrome (LQTS). Identifiers: MedGen C0023976, MeSH D008133, MONDO:0002442. Disease mechanism: loss of function. Inheritance: Various modes of inheritance.

Allele frequency attached by ClinVar (database versions not stated): gnomAD exomes below 0.00001; gnomAD 0.00001; TOPMed 0.00001.
gnomAD v4.1: 4 of 1,614,004 alleles (0.00025%); highest among the groups gnomAD compares: Non-Finnish European, 0.00034%; no homozygotes.

Submissions (2):

Labcorp Genetics (formerly Invitae), Labcorp
Classification: Uncertain significance for Long QT syndrome. Last evaluated: 2025-05-05. Review status: criteria provided, single submitter. Criteria: Invitae Variant Classification Sherloc (09022015). Collection method: clinical testing. Allele origin: germline.
Comment: This sequence change replaces arginine, which is basic and polar, with lysine, which is basic and polar, at codon 3635 of the AKAP9 protein (p.Arg3635Lys). This variant is not present in population databases (gnomAD no frequency). This variant has not been reported in the literature in individuals affected with AKAP9-related conditions. ClinVar contains an entry for this variant (Variation ID: 1521065). An algorithm developed to predict the effect of missense changes on protein structure and function (PolyPhen-2) suggests that this variant is likely to be disruptive. In summary, the available evidence is currently insufficient to determine the role of this variant in disease. Therefore, it has been classified as a Variant of Uncertain Significance.

Ambry Genetics
Classification: Likely benign for Cardiovascular phenotype. Last evaluated: 2025-03-20. Review status: criteria provided, single submitter. Criteria: Ambry Variant Classification Scheme 2023. Collection method: clinical testing. Allele origin: germline.

NM_005751.5(AKAP9):c.10904G>A (p.Arg3635Lys)

Gene: AKAP9 (A-kinase anchoring protein 9; plus strand). Cytogenetic location: 7q21.2.
Variant type: single nucleotide variant.
Coding change: c.10904G>A on transcript NM_005751.5 (MANE Select); coding-DNA position 10904, G replaced by A.
Protein change: p.Arg3635Lys; replaces arginine 3635 with lysine.
Molecular consequence: missense variant.
Genome position (GRCh38, 1-based): chr7:92,100,863, G>A. VCF-style: chr7-92100863-G-A. GRCh37 (hg19) VCF-style: chr7-91730177-G-A.
Other names: c.5549G>A, p.Arg1850Lys (NM_001379277.1); c.10880G>A, p.Arg3627Lys (NM_147185.3); c.10904G>A (NM_005751.4); short protein forms R1850K, R3627K, R3635K.
Identifiers: ClinVar variation 1521065 (VCV001521065.8), dbSNP rs1475038289, ClinGen allele CA368159339.